The following is an entry in ClinVar:

NM_001258392.3(CLPB):c.1534G>A (p.Glu512Lys)

Gene: CLPB (ClpB family mitochondrial disaggregase; minus strand). Cytogenetic location: 11q13.4.
Variant type: single nucleotide variant.
Coding change: c.1534G>A on transcript NM_001258392.3 (MANE Select); coding-DNA position 1534, G replaced by A.
Protein change: p.Glu512Lys; replaces glutamic acid 512 with lysine.
Molecular consequence: missense variant.
Genome position (GRCh38, 1-based): chr11:72,294,646, C>T on the plus strand (G>A on the coding strand, the complement: CLPB is on the minus strand). VCF-style: chr11-72294646-C-T. GRCh37 (hg19) VCF-style: chr11-72005690-C-T.
Other names: c.1447G>A, p.Glu483Lys (NM_001258393.3); c.1489G>A, p.Glu497Lys (NM_001258394.3); c.1624G>A, p.Glu542Lys (NM_030813.6); short protein forms E483K, E497K, E512K, E542K.
Identifiers: ClinVar variation 2576644 (VCV002576644.1), dbSNP rs1232233434, ClinGen allele CA381726985.

ClinVar aggregate classification (germline): Uncertain significance (1 of 4 stars; one submission).

Allele frequency attached by ClinVar (database versions not stated): TOPMed below 0.00001; gnomAD 0.00001.
gnomAD v4.1: 2 of 1,614,074 alleles (0.00012%); highest among the groups gnomAD compares: African/African-American, 0.0013%; no homozygotes.

Submission:

GeneDx
Classification: Uncertain significance. Last evaluated: 2023-02-16. Review status: criteria provided, single submitter. Criteria: GeneDx Variant Classification Process June 2021. Collection method: clinical testing. Allele origin: germline. Affected: yes.
Comment: Not observed at significant frequency in large population cohorts (gnomAD); In silico analysis supports that this missense variant has a deleterious effect on protein structure/function; Has not been previously published as pathogenic or benign to our knowledge